The following is an entry in ClinVar:

ClinVar aggregate classification (germline): Uncertain significance (1 of 4 stars; one submission).

Conditions:
Acromesomelic dysplasia 1, Maroteaux type (AMD1). Also called: ST. HELENA DYSPLASIA; ACROMESOMELIC DYSPLASIA 1. Identifiers: Orphanet 40, MedGen C1864356, MONDO:0011275, OMIM 602875.
Tall stature-scoliosis-macrodactyly of the great toes syndrome. Also called: Epiphyseal chondrodysplasia, miura type. Identifiers: Orphanet 329191, MedGen C4014690, MONDO:0014401, OMIM 615923.

Submission:

Labcorp Genetics (formerly Invitae), Labcorp
Classification: Uncertain significance for Tall stature-scoliosis-macrodactyly of the great toes syndrome; Acromesomelic dysplasia 1, Maroteaux type. Last evaluated: 2021-09-09. Review status: criteria provided, single submitter. Criteria: Invitae Variant Classification Sherloc (09022015). Collection method: clinical testing. Allele origin: germline.
Comment: This sequence change replaces threonine with isoleucine at codon 463 of the NPR2 protein (p.Thr463Ile). The threonine residue is highly conserved and there is a moderate physicochemical difference between threonine and isoleucine. This variant is not present in population databases (ExAC no frequency). This variant has not been reported in the literature in individuals affected with NPR2-related conditions. Algorithms developed to predict the effect of missense changes on protein structure and function are either unavailable or do not agree on the potential impact of this missense change (SIFT: "Deleterious"; PolyPhen-2: "Benign"; Align-GVGD: "Class C65"). In summary, the available evidence is currently insufficient to determine the role of this variant in disease. Therefore, it has been classified as a Variant of Uncertain Significance.

NM_003995.4(NPR2):c.1388C>T (p.Thr463Ile)

Gene: NPR2 (natriuretic peptide receptor 2; plus strand). Cytogenetic location: 9p13.3.
Variant type: single nucleotide variant.
Coding change: c.1388C>T on transcript NM_003995.4 (MANE Select); coding-DNA position 1388, C replaced by T.
Protein change: p.Thr463Ile; replaces threonine 463 with isoleucine.
Molecular consequence: missense variant.
Genome position (GRCh38, 1-based): chr9:35,801,106, C>T. VCF-style: chr9-35801106-C-T. GRCh37 (hg19) VCF-style: chr9-35801103-C-T.
Other names: c.1388C>T, p.Thr463Ile (NM_001378923.1); short protein forms T463I.
Identifiers: ClinVar variation 1472708 (VCV001472708.6), dbSNP rs2132080251, ClinGen allele CA373371535.